The following is an entry in ClinVar:

NM_054027.6(ANKH):c.882G>A (p.Thr294=)

Gene: ANKH (ANKH inorganic pyrophosphate transport regulator; minus strand). Cytogenetic location: 5p15.2.
Variant type: single nucleotide variant.
Coding change: c.882G>A on transcript NM_054027.6 (MANE Select); coding-DNA position 882, G replaced by A.
Protein change: p.Thr294=; no amino-acid change (threonine 294 retained).
Molecular consequence: synonymous variant.
Genome position (GRCh38, 1-based): chr5:14,745,903, C>T on the plus strand (G>A on the coding strand, the complement: ANKH is on the minus strand). VCF-style: chr5-14745903-C-T. GRCh37 (hg19) VCF-style: chr5-14746012-C-T.
Identifiers: ClinVar variation 756003 (VCV000756003.10), dbSNP rs147231935, ClinGen allele CA3209001.

ClinVar aggregate classification (germline): Likely benign. Review status: criteria provided, multiple submitters, no conflicts (2 of 4 stars). 2 submissions from 2 submitters: Likely benign (2). Last evaluated 2026-01-15.

Allele frequency attached by ClinVar (database versions not stated): gnomAD exomes 0.00006; ExAC 0.00008; gnomAD 0.00019 and 0.00021; 1000 Genomes Project 0.00020; ESP Exome Variant Server 0.00023; 1000 Genomes Project 30x 0.00031; TOPMed 0.00032.
gnomAD v4.1: 77 of 1,614,178 alleles (0.0048%); highest among the groups gnomAD compares: African/African-American, 0.083%; 1 homozygote.

Submissions (2):

Labcorp Genetics (formerly Invitae), Labcorp
Classification: Likely benign. Last evaluated: 2026-01-15. Review status: criteria provided, single submitter. Criteria: Invitae Variant Classification Sherloc (09022015). Collection method: clinical testing. Allele origin: germline.

GeneDx
Classification: Likely benign. Last evaluated: 2019-04-09. Review status: criteria provided, single submitter. Criteria: GeneDx Variant Classification Process June 2021. Collection method: clinical testing. Allele origin: germline. Affected: yes.
Comment: See Variant Classification Assertion Criteria.